The following is an entry in ClinVar:

ClinVar aggregate classification (germline): Conflicting classifications of pathogenicity. Review status: criteria provided, conflicting classifications (1 of 4 stars). 4 submissions from 4 submitters: Uncertain significance (1); Likely benign (2). 1 of the submissions does not count toward it. Last evaluated 2026-01-27.

Conditions:
SLC7A14-related disorder. Also called: SLC7A14-related condition.

Allele frequency attached by ClinVar (database versions not stated): 1000 Genomes Project 0.00100; 1000 Genomes Project 30x 0.00125; TOPMed 0.00128; gnomAD 0.00171 and 0.00175; ESP Exome Variant Server 0.00192; gnomAD exomes 0.00247; ExAC 0.00257.
gnomAD v4.1: 3,939 of 1,614,242 alleles (0.24%); highest among the groups gnomAD compares: Non-Finnish European, 0.28%; 7 homozygotes.

Submissions (4):

Labcorp Genetics (formerly Invitae), Labcorp
Classification: Likely benign. Last evaluated: 2026-01-27. Review status: criteria provided, single submitter. Criteria: Invitae Variant Classification Sherloc (09022015). Collection method: clinical testing. Allele origin: germline.

Blueprint Genetics
Classification: Likely benign. Last evaluated: 2024-11-25. Review status: criteria provided, single submitter. Criteria: ACMG Guidelines, 2015. Collection method: clinical testing. Allele origin: germline.

CeGaT Center for Human Genetics Tuebingen
Classification: Uncertain significance. Last evaluated: 2019-07-01. Review status: criteria provided, single submitter. Criteria: CeGaT Center For Human Genetics Tuebingen Variant Classification Criteria Version 2. Collection method: clinical testing. Allele origin: germline. Affected: yes. Observed: 1 variant allele.

PreventionGenetics, part of Exact Sciences
Classification: Benign for SLC7A14-related condition. Last evaluated: 2019-05-17. Review status: no assertion criteria provided. Collection method: clinical testing. Allele origin: germline. Not counted in ClinVar's aggregate classification.
Comment: This variant is classified as benign based on ACMG/AMP sequence variant interpretation guidelines (Richards et al. 2015 PMID: 25741868, with internal and published modifications).

NM_020949.3(SLC7A14):c.821C>T (p.Thr274Ile)

Genes: SLC7A14 (solute carrier family 7 member 14; minus strand), SLC7A14-AS1 (SLC7A14 antisense RNA 1; plus strand). Cytogenetic location: 3q26.2.
Variant type: single nucleotide variant.
Coding change: c.821C>T on transcript NM_020949.3 (MANE Select); coding-DNA position 821, C replaced by T.
Protein change: p.Thr274Ile; replaces threonine 274 with isoleucine.
Molecular consequence: missense variant.
Genome position (GRCh38, 1-based): chr3:170,486,307, G>A on the plus strand (C>T on the coding strand, the complement: SLC7A14 is on the minus strand). VCF-style: chr3-170486307-G-A. GRCh37 (hg19) VCF-style: chr3-170204096-G-A.
Other names: short protein forms T274I.
Identifiers: ClinVar variation 713786 (VCV000713786.53), dbSNP rs116040996, ClinGen allele CA2701796.